The following is an entry in ClinVar:

NM_004336.5(BUB1):c.718G>C (p.Glu240Gln)

Gene: BUB1 (BUB1 mitotic checkpoint serine/threonine kinase; minus strand). Cytogenetic location: 2q13.
Variant type: single nucleotide variant.
Coding change: c.718G>C on transcript NM_004336.5 (MANE Select); coding-DNA position 718, G replaced by C.
Protein change: p.Glu240Gln; replaces glutamic acid 240 with glutamine.
Molecular consequence: missense variant.
Genome position (GRCh38, 1-based): chr2:110,667,608, C>G on the plus strand (G>C on the coding strand, the complement: BUB1 is on the minus strand). VCF-style: chr2-110667608-C-G. GRCh37 (hg19) VCF-style: chr2-111425185-C-G.
Other names: c.658G>C, p.Glu220Gln (NM_001278616.2); c.718G>C, p.Glu240Gln (NM_001278617.2); short protein forms E220Q, E240Q.
Identifiers: ClinVar variation 3224116 (VCV003224116.1), dbSNP rs2468028206, ClinGen allele CA348217719.

ClinVar aggregate classification (germline): Uncertain significance (1 of 4 stars; one submission).

Submission:

Ambry Genetics
Classification: Uncertain significance. Last evaluated: 2024-02-10. Review status: criteria provided, single submitter. Criteria: Ambry Variant Classification Scheme 2023. Collection method: clinical testing. Allele origin: germline.
Comment: The p.E240Q variant (also known as c.718G>C), located in coding exon 8 of the BUB1 gene, results from a G to C substitution at nucleotide position 718. The glutamic acid at codon 240 is replaced by glutamine, an amino acid with highly similar properties. This amino acid position is conserved. In addition, this alteration is predicted to be tolerated by in silico analysis. Based on the available evidence, the clinical significance of this alteration remains unclear.